The following is an entry in ClinVar:

ClinVar aggregate classification (germline): Pathogenic/Likely pathogenic. Review status: criteria provided, multiple submitters, no conflicts (2 of 4 stars). 4 submissions from 4 submitters: Pathogenic (2); Likely pathogenic (2). Last evaluated 2025-10-31.

Conditions:
Hereditary breast ovarian cancer syndrome. Also called: BRCA1- and BRCA2-Associated Hereditary Breast and Ovarian Cancer; Hereditary breast and/or ovarian cancer syndrome; Hereditary breast and ovarian cancer syndrome; Hereditary breast and ovarian cancer; Breast and ovarian cancer; Hereditary breast and ovarian cancer syndrome (HBOC). Identifiers: Orphanet 145, MedGen C0677776, MeSH D061325, MONDO:0003582. Disease mechanism: loss of function.
Hereditary cancer-predisposing syndrome. Also called: Tumor predisposition; Hereditary neoplastic syndrome; Hereditary Cancer Syndrome; Neoplastic Syndromes, Hereditary. Identifiers: Orphanet 140162, MedGen C0027672, MeSH D009386, MONDO:0015356.

Submissions (4):

Quest Diagnostics Nichols Institute San Juan Capistrano
Classification: Likely pathogenic. Last evaluated: 2025-10-31. Review status: criteria provided, single submitter. Criteria: Quest Diagnostics criteria. Collection method: clinical testing. Allele origin: unknown.
Comment: The BRCA2 c.9678T>A (p.Tyr3226*) variant is predicted to cause the premature termination of BRCA2 protein synthesis. This variant has not been reported in individuals with BRCA2-related conditions in the published literature. This variant has not been reported in large, multi-ethnic general populations (Genome Aggregation Database). Based on the available information, this variant is classified as likely pathogenic.

Labcorp Genetics (formerly Invitae), Labcorp
Classification: Pathogenic for Hereditary breast ovarian cancer syndrome. Last evaluated: 2025-09-08. Review status: criteria provided, single submitter. Criteria: Invitae Variant Classification Sherloc (09022015). Collection method: clinical testing. Allele origin: germline.
Comment: This sequence change creates a premature translational stop signal (p.Tyr3226*) in the BRCA2 gene. While this is not anticipated to result in nonsense mediated decay, it is expected to disrupt the last 193 amino acid(s) of the BRCA2 protein. This variant is not present in population databases (gnomAD no frequency). This variant has not been reported in the literature in individuals affected with BRCA2-related conditions. ClinVar contains an entry for this variant (Variation ID: 937072). Algorithms developed to predict the effect of sequence changes on RNA splicing suggest that this variant may disrupt the consensus splice site. This variant disrupts a region of the BRCA2 protein in which other variant(s) (p.Tyr3308*) have been determined to be pathogenic (PMID: 8896551, 17026620, 18097605, 18593900, 18607349, 20104584, 22711857). This suggests that this is a clinically significant region of the protein, and that variants that disrupt it are likely to be disease-causing. For these reasons, this variant has been classified as Pathogenic.

Ambry Genetics
Classification: Pathogenic for Hereditary cancer-predisposing syndrome. Last evaluated: 2023-01-26. Review status: criteria provided, single submitter. Criteria: Ambry Variant Classification Scheme 2023. Collection method: clinical testing. Allele origin: germline.
Comment: The p.Y3226* variant (also known as c.9678T>A), located in coding exon 26 of the BRCA2 gene, results from a T to A substitution at nucleotide position 9678. This changes the amino acid from a tyrosine to a stop codon within coding exon 26. This alteration is expected to result in loss of function by premature protein truncation. As such, this alteration is interpreted as a disease-causing mutation.

Mayo Clinic Laboratories, Mayo Clinic
Classification: Likely pathogenic. Last evaluated: 2022-12-09. Review status: criteria provided, single submitter. Criteria: ACMG Guidelines, 2015. Collection method: clinical testing. Allele origin: germline. Observed: 1 variant allele.
Comment: PM2, PVS1_strong

Literature cited by the submitters: PubMed 8896551 (cited by Labcorp Genetics (formerly Invitae), Labcorp); PubMed 17026620 (cited by Labcorp Genetics (formerly Invitae), Labcorp); PubMed 18097605 (cited by Labcorp Genetics (formerly Invitae), Labcorp); PubMed 18593900 (cited by Labcorp Genetics (formerly Invitae), Labcorp); PubMed 18607349 (cited by Labcorp Genetics (formerly Invitae), Labcorp); PubMed 20104584 (cited by Labcorp Genetics (formerly Invitae), Labcorp); PubMed 22711857 (cited by Labcorp Genetics (formerly Invitae), Labcorp).

NM_000059.4(BRCA2):c.9678T>A (p.Tyr3226Ter)

Gene: BRCA2 (BRCA2 DNA repair associated; plus strand). Cytogenetic location: 13q13.1.
Variant type: single nucleotide variant.
Coding change: c.9678T>A on transcript NM_000059.4 (MANE Select); coding-DNA position 9678, T replaced by A.
Protein change: p.Tyr3226Ter; replaces tyrosine 3226 with a stop codon.
Molecular consequence: nonsense.
Genome position (GRCh38, 1-based): chr13:32,398,191, T>A. VCF-style: chr13-32398191-T-A. GRCh37 (hg19) VCF-style: chr13-32972328-T-A.
Other names: p.Tyr3226*; short protein forms Y3226*.
Identifiers: ClinVar variation 937072 (VCV000937072.14), dbSNP rs2073049381, ClinGen allele CA387765230.